The following is an entry in ClinVar:

ClinVar aggregate classification (germline): Uncertain significance (1 of 4 stars; one submission).

Conditions:
PLS1-related disorder. Also called: PLS1-related condition.

gnomAD v4.1: 41 of 1,613,646 alleles (0.0025%); highest among the groups gnomAD compares: Admixed American, 0.005%; no homozygotes.

Submission:

PreventionGenetics, part of Exact Sciences
Classification: Uncertain significance for PLS1-related condition. Last evaluated: 2026-03-07. Review status: criteria provided, single submitter. Criteria: ACMG Guidelines, 2015. Collection method: clinical testing. Allele origin: germline.
Comment: The PLS1 c.821G>A variant is predicted to result in the amino acid substitution p.Arg274Gln. To our knowledge, this variant has not been reported in the literature. This variant is reported in 0.0058% of alleles in individuals of Latino descent in gnomAD. At this time, the clinical significance of this variant is uncertain due to the absence of conclusive functional and genetic evidence.

NM_001145319.2(PLS1):c.821G>A (p.Arg274Gln)

Gene: PLS1 (plastin 1; plus strand). Cytogenetic location: 3q23.
Variant type: single nucleotide variant.
Coding change: c.821G>A on transcript NM_001145319.2 (MANE Select); coding-DNA position 821, G replaced by A.
Protein change: p.Arg274Gln; replaces arginine 274 with glutamine.
Molecular consequence: missense variant.
Genome position (GRCh38, 1-based): chr3:142,684,328, G>A. VCF-style: chr3-142684328-G-A. GRCh37 (hg19) VCF-style: chr3-142403170-G-A.
Other names: c.821G>A, p.Arg274Gln (NM_001172312.2, NM_002670.3); short protein forms R274Q.
Identifiers: ClinVar variation 4989731 (VCV004989731.1).